The following is an entry in ClinVar:

ClinVar aggregate classification (germline): Uncertain significance (1 of 4 stars; one submission).

Conditions:
Gorlin syndrome. Also called: Nevoid Basal Cell Carcinoma Syndrome; Basal cell nevus syndrome. Identifiers: Orphanet 377, MedGen C0004779, MONDO:0007187.

Submission:

Labcorp Genetics (formerly Invitae), Labcorp
Classification: Uncertain significance for Gorlin syndrome. Last evaluated: 2020-09-09. Review status: criteria provided, single submitter. Criteria: Invitae Variant Classification Sherloc (09022015). Collection method: clinical testing. Allele origin: germline.
Comment: This sequence change replaces threonine with serine at codon 1229 of the PTCH1 protein (p.Thr1229Ser). The threonine residue is moderately conserved and there is a small physicochemical difference between threonine and serine. In summary, the available evidence is currently insufficient to determine the role of this variant in disease. Therefore, it has been classified as a Variant of Uncertain Significance. Advanced modeling of protein sequence and biophysical properties (such as structural, functional, and spatial information, amino acid conservation, physicochemical variation, residue mobility, and thermodynamic stability) performed at Invitae indicates that this missense variant is not expected to disrupt PTCH1 protein function. This variant has not been reported in the literature in individuals with PTCH1-related conditions. This variant is not present in population databases (ExAC no frequency).

NM_000264.5(PTCH1):c.3685A>T (p.Thr1229Ser)

Gene: PTCH1 (patched 1; minus strand). Cytogenetic location: 9q22.32.
Variant type: single nucleotide variant.
Coding change: c.3685A>T on transcript NM_000264.5 (MANE Select); coding-DNA position 3685, A replaced by T.
Protein change: p.Thr1229Ser; replaces threonine 1229 with serine.
Molecular consequence: missense variant. On other transcripts: non-coding transcript variant (1).
Genome position (GRCh38, 1-based): chr9:95,449,188, T>A on the plus strand (A>T on the coding strand, the complement: PTCH1 is on the minus strand). VCF-style: chr9-95449188-T-A. GRCh37 (hg19) VCF-style: chr9-98211470-T-A.
Other names: c.3487A>T, p.Thr1163Ser (NM_001083602.3); c.3682A>T, p.Thr1228Ser (NM_001083603.3); c.3232A>T, p.Thr1078Ser (NM_001083604.3, NM_001083605.3, NM_001083606.3 and 1 more transcripts); c.3529A>T, p.Thr1177Ser (NM_001354918.2); short protein forms T1078S, T1163S, T1177S, T1228S, T1229S.
Identifiers: ClinVar variation 1008730 (VCV001008730.9), dbSNP rs1838218744, ClinGen allele CA374111143.
Genomic context (GRCh38, chr9:95,449,188, plus strand): 5'-CTCCCGCGCCCTGCTGGGCCTCGTAGTGCCGAAGCTCCTCGCTGAGGCCTGACACTGTCG[T>A]CTGGGAACTATACTCCGAGTCGGAGGAATCAGACCCGCTGTGCGTGTGGCCGGGCGGCAT-3'
Protein context (NP_000255.2, residues 1219-1239): DSSDSEYSSQ[Thr1229Ser]TVSGLSEELR